The following is an entry in ClinVar:

NM_017547.4(FOXRED1):c.899C>G (p.Ala300Gly)

Gene: FOXRED1 (FAD dependent oxidoreductase domain containing 1; plus strand). Cytogenetic location: 11q24.2.
Variant type: single nucleotide variant.
Coding change: c.899C>G on transcript NM_017547.4 (MANE Select); coding-DNA position 899, C replaced by G.
Protein change: p.Ala300Gly; replaces alanine 300 with glycine.
Molecular consequence: missense variant. On other transcripts: non-coding transcript variant (2).
Genome position (GRCh38, 1-based): chr11:126,276,147, C>G. VCF-style: chr11-126276147-C-G. GRCh37 (hg19) VCF-style: chr11-126146042-C-G.
Other names: p.A300G:GCA>GGA; short protein forms A300G.
Identifiers: ClinVar variation 214441 (VCV000214441.12), dbSNP rs149851763, ClinGen allele CA321349.
Genomic context (GRCh38, chr11:126,276,147, plus strand): 5'-AGCCTGTGGAATGCGCCATTGTGATCAACGCAGCCGGAGCCTGGTCTGCGCAAATCGCAG[C>G]ACTGGCTGGTGTTGGAGAGGGGCCGCCTGGCACCCTGCAGGGCACCAAGCTACCTGTGGA-3'
Protein context (NP_060017.1, residues 290-310): AAGAWSAQIA[Ala300Gly]LAGVGEGPPG

ClinVar aggregate classification (germline): Conflicting classifications of pathogenicity. Review status: criteria provided, conflicting classifications (1 of 4 stars). 5 submissions from 5 submitters: Uncertain significance (1); Likely benign (4). Last evaluated 2026-01-28.

Conditions:
Inborn genetic diseases. Identifiers: MedGen C0950123, MeSH D030342.

Allele frequency attached by ClinVar (database versions not stated): TOPMed 0.00012; ESP Exome Variant Server 0.00031.
gnomAD v4.1: 413 of 1,611,856 alleles (0.026%); highest among the groups gnomAD compares: Non-Finnish European, 0.032%; no homozygotes.

Submissions (5):

Labcorp Genetics (formerly Invitae), Labcorp
Classification: Likely benign. Last evaluated: 2026-01-28. Review status: criteria provided, single submitter. Criteria: Invitae Variant Classification Sherloc (09022015). Collection method: clinical testing. Allele origin: germline.

Ambry Genetics
Classification: Uncertain significance for Inborn genetic diseases. Last evaluated: 2024-06-30. Review status: criteria provided, single submitter. Criteria: Ambry Variant Classification Scheme 2023. Collection method: clinical testing. Allele origin: germline.

Blueprint Genetics
Classification: Likely benign. Last evaluated: 2023-10-09. Review status: criteria provided, single submitter. Criteria: ACMG Guidelines, 2015. Collection method: clinical testing. Allele origin: germline.

GeneDx
Classification: Likely benign. Last evaluated: 2013-01-09. Review status: criteria provided, single submitter. Criteria: GeneDx Variant Classification (06012015). Collection method: clinical testing. Allele origin: germline. Affected: yes.
Comment: This variant is considered likely benign or benign based on one or more of the following criteria: it is a conservative change, it occurs at a poorly conserved position in the protein, it is predicted to be benign by multiple in silico algorithms, and/or has population frequency not consistent with disease.

Breakthrough Genomics
Classification: Likely benign. Review status: criteria provided, single submitter. Criteria: ACMG Guidelines, 2015. Collection method: not provided. Allele origin: germline. Inheritance: Autosomal recessive inheritance. Affected: yes.